The following is an entry in ClinVar:

NM_001204.7(BMPR2):c.1235T>C (p.Ile412Thr)

Gene: BMPR2 (bone morphogenetic protein receptor type 2; plus strand). Cytogenetic location: 2q33.2.
Variant type: single nucleotide variant.
Coding change: c.1235T>C on transcript NM_001204.7 (MANE Select); coding-DNA position 1235, T replaced by C.
Protein change: p.Ile412Thr; replaces isoleucine 412 with threonine.
Molecular consequence: missense variant.
Genome position (GRCh38, 1-based): chr2:202,532,691, T>C. VCF-style: chr2-202532691-T-C. GRCh37 (hg19) VCF-style: chr2-203397414-T-C.
Other names: short protein forms I412T.
Identifiers: ClinVar variation 4597881 (VCV004597881.1).

ClinVar aggregate classification (germline): Uncertain significance (1 of 4 stars; one submission).

Conditions:
Inborn genetic diseases. Identifiers: MedGen C0950123, MeSH D030342.

Submission:

Ambry Genetics
Classification: Uncertain significance for Inborn genetic diseases. Last evaluated: 2025-11-24. Review status: criteria provided, single submitter. Criteria: Ambry Variant Classification Scheme 2023. Collection method: clinical testing. Allele origin: germline.
Comment: The p.I412T variant (also known as c.1235T>C), located in coding exon 9 of the BMPR2 gene, results from a T to C substitution at nucleotide position 1235. The isoleucine at codon 412 is replaced by threonine, an amino acid with similar properties. This amino acid position is conserved. In addition, the in silico prediction for this alteration is inconclusive. Based on the available evidence, the clinical significance of this variant remains unclear.